The following is an entry in ClinVar:

NM_001367624.2(ZNF469):c.8428G>A (p.Ala2810Thr)

Gene: ZNF469 (zinc finger protein 469; plus strand). Cytogenetic location: 16q24.2.
Variant type: single nucleotide variant.
Coding change: c.8428G>A on transcript NM_001367624.2 (MANE Select); coding-DNA position 8428, G replaced by A.
Protein change: p.Ala2810Thr; replaces alanine 2810 with threonine.
Molecular consequence: missense variant.
Genome position (GRCh38, 1-based): chr16:88,435,898, G>A. VCF-style: chr16-88435898-G-A. GRCh37 (hg19) VCF-style: chr16-88502306-G-A.
Other names: NM_001127464.1:c.8344G>A; short protein forms A2810T.
Identifiers: ClinVar variation 2869278 (VCV002869278.4), dbSNP rs1172890077, ClinGen allele CA397117756.

ClinVar aggregate classification (germline): Uncertain significance. Review status: criteria provided, multiple submitters, no conflicts (2 of 4 stars). 3 submissions from 3 submitters: Uncertain significance (3). Last evaluated 2026-02-03.

Conditions:
Cardiovascular phenotype. Identifiers: MedGen CN230736.

Allele frequency attached by ClinVar (database versions not stated): gnomAD 0.00001; TOPMed 0.00002.
gnomAD v4.1: 5 of 1,549,960 alleles (0.00032%); highest among the groups gnomAD compares: Non-Finnish European, 0.00044%; no homozygotes.

Submissions (3):

GeneDx
Classification: Uncertain significance. Last evaluated: 2026-02-03. Review status: criteria provided, single submitter. Criteria: GeneDx Variant Classification Process June 2021. Collection method: clinical testing. Allele origin: germline.
Comment: Not observed at significant frequency in large population cohorts (gnomAD); In silico analysis supports that this missense variant does not alter protein structure/function; Has not been previously published as pathogenic or benign to our knowledge

Ambry Genetics
Classification: Uncertain significance for Cardiovascular phenotype. Last evaluated: 2025-01-31. Review status: criteria provided, single submitter. Criteria: Ambry Variant Classification Scheme 2023. Collection method: clinical testing. Allele origin: germline.
Comment: The p.A2782T variant (also known as c.8344G>A), located in coding exon 2 of the ZNF469 gene, results from a G to A substitution at nucleotide position 8344. The alanine at codon 2782 is replaced by threonine, an amino acid with similar properties. This amino acid position is conserved. In addition, this alteration is predicted to be tolerated by in silico analysis. Based on the available evidence, the clinical significance of this variant remains unclear.

Labcorp Genetics (formerly Invitae), Labcorp
Classification: Uncertain significance. Last evaluated: 2023-11-07. Review status: criteria provided, single submitter. Criteria: Invitae Variant Classification Sherloc (09022015). Collection method: clinical testing. Allele origin: germline.
Comment: This sequence change replaces alanine, which is neutral and non-polar, with threonine, which is neutral and polar, at codon 2782 of the ZNF469 protein (p.Ala2782Thr). This variant is not present in population databases (gnomAD no frequency). This variant has not been reported in the literature in individuals affected with ZNF469-related conditions. Algorithms developed to predict the effect of missense changes on protein structure and function output the following: SIFT: "Not Available"; PolyPhen-2: "Benign"; Align-GVGD: "Not Available". The threonine amino acid residue is found in multiple mammalian species, which suggests that this missense change does not adversely affect protein function. In summary, the available evidence is currently insufficient to determine the role of this variant in disease. Therefore, it has been classified as a Variant of Uncertain Significance.